The following is an entry in ClinVar:

ClinVar aggregate classification (germline): Uncertain significance (1 of 4 stars; one submission).

gnomAD v4.1: 4 of 1,578,846 alleles (0.00025%); highest among the groups gnomAD compares: Non-Finnish European, 0.00026%; no homozygotes.

Submission:

Labcorp Genetics (formerly Invitae), Labcorp
Classification: Uncertain significance. Last evaluated: 2025-06-22. Review status: criteria provided, single submitter. Criteria: Invitae Variant Classification Sherloc (09022015). Collection method: clinical testing. Allele origin: germline.
Comment: This sequence change replaces proline, which is neutral and non-polar, with threonine, which is neutral and polar, at codon 224 of the IL12RB2 protein (p.Pro224Thr). This variant is present in population databases (no rsID available, gnomAD 0.01%). This variant has not been reported in the literature in individuals affected with IL12RB2-related conditions. An algorithm developed to predict the effect of missense changes on protein structure and function (PolyPhen-2) suggests that this variant is likely to be disruptive. In summary, the available evidence is currently insufficient to determine the role of this variant in disease. Therefore, it has been classified as a Variant of Uncertain Significance.

NM_001374259.2(IL12RB2):c.670C>A (p.Pro224Thr)

Gene: IL12RB2 (interleukin 12 receptor subunit beta 2; plus strand). Cytogenetic location: 1p31.3.
Variant type: single nucleotide variant.
Coding change: c.670C>A on transcript NM_001374259.2 (MANE Select); coding-DNA position 670, C replaced by A.
Protein change: p.Pro224Thr; replaces proline 224 with threonine.
Molecular consequence: missense variant. On other transcripts: non-coding transcript variant (2).
Genome position (GRCh38, 1-based): chr1:67,329,592, C>A. VCF-style: chr1-67329592-C-A. GRCh37 (hg19) VCF-style: chr1-67795275-C-A.
Other names: c.670C>A, p.Pro224Thr (NM_001258214.1, NM_001258215.1, NM_001258216.1 and 2 more transcripts); short protein forms P224T.
Identifiers: ClinVar variation 4804091 (VCV004804091.1).